The following is an entry in ClinVar:

ClinVar aggregate classification (germline): Uncertain significance (1 of 4 stars; one submission).

Conditions:
Charcot-Marie-Tooth disease type 4. Also called: Charcot-Marie-Tooth disease, type IV; Charcot-Marie-Tooth, Type 4. Identifiers: Orphanet 64749, MedGen C4082197, MONDO:0018995.

Allele frequency attached by ClinVar (database versions not stated): gnomAD exomes below 0.00001.
gnomAD v4.1: 2 of 1,614,130 alleles (0.00012%); highest among the groups gnomAD compares: East Asian, 0.0045%; no homozygotes.

Submission:

Labcorp Genetics (formerly Invitae), Labcorp
Classification: Uncertain significance for Charcot-Marie-Tooth disease type 4. Last evaluated: 2022-08-22. Review status: criteria provided, single submitter. Criteria: Invitae Variant Classification Sherloc (09022015). Collection method: clinical testing. Allele origin: germline.
Comment: This variant has not been reported in the literature in individuals affected with NDRG1-related conditions. In summary, the available evidence is currently insufficient to determine the role of this variant in disease. Therefore, it has been classified as a Variant of Uncertain Significance. Variants that disrupt the consensus splice site are a relatively common cause of aberrant splicing (PMID: 17576681, 9536098). Algorithms developed to predict the effect of sequence changes on RNA splicing suggest that this variant may disrupt the consensus splice site. This variant is not present in population databases (gnomAD no frequency). This sequence change affects codon 21 of the NDRG1 mRNA. It is a 'silent' change, meaning that it does not change the encoded amino acid sequence of the NDRG1 protein. This variant also falls at the last nucleotide of exon 2, which is part of the consensus splice site for this exon.

Literature cited by the submitters: PubMed 17576681; PubMed 9536098.

NM_006096.4(NDRG1):c.63G>A (p.Glu21=)

Gene: NDRG1 (N-myc downstream regulated 1; minus strand). Cytogenetic location: 8q24.22.
Variant type: single nucleotide variant.
Coding change: c.63G>A on transcript NM_006096.4 (MANE Select); coding-DNA position 63, G replaced by A.
Protein change: p.Glu21=; no amino-acid change (glutamic acid 21 retained).
Molecular consequence: synonymous variant. On other transcripts: 5 prime UTR variant (1), intron variant (2).
Genome position (GRCh38, 1-based): chr8:133,284,249, C>T on the plus strand (G>A on the coding strand, the complement: NDRG1 is on the minus strand). VCF-style: chr8-133284249-C-T. GRCh37 (hg19) VCF-style: chr8-134296492-C-T.
Other names: c.63G>A, p.Glu21= (NM_001135242.2, NM_001374844.1, NM_001374845.1 and 1 more transcripts); c.-75G>A (NM_001258433.2); c.-100+12885G>A (NM_001258432.2); c.-135-3982G>A (NM_001374847.1).
Identifiers: ClinVar variation 1976483 (VCV001976483.5), dbSNP rs1385847699, ClinGen allele CA463016879.